The following is an entry in ClinVar:

NM_002691.4(POLD1):c.3051A>G (p.Thr1017=)

Gene: POLD1 (DNA polymerase delta 1, catalytic subunit; plus strand). Cytogenetic location: 19q13.33.
Variant type: single nucleotide variant.
Coding change: c.3051A>G on transcript NM_002691.4 (MANE Select); coding-DNA position 3051, A replaced by G.
Protein change: p.Thr1017=; no amino-acid change (threonine 1017 retained).
Molecular consequence: synonymous variant. On other transcripts: non-coding transcript variant (1).
Genome position (GRCh38, 1-based): chr19:50,416,707, A>G. VCF-style: chr19-50416707-A-G. GRCh37 (hg19) VCF-style: chr19-50919964-A-G.
Other names: c.3051A>G (NM_002691.2); c.3051A>G, p.Thr1017= (NM_001256849.1); c.3129A>G, p.Thr1043= (NM_001308632.1).
Identifiers: ClinVar variation 1085278 (VCV001085278.32), dbSNP rs2039310658, ClinGen allele CA508305544.

ClinVar aggregate classification (germline): Likely benign. Review status: criteria provided, multiple submitters, no conflicts (2 of 4 stars). 3 submissions from 3 submitters: Likely benign (3). Last evaluated 2026-01-13.

Conditions:
Hereditary cancer-predisposing syndrome. Also called: Neoplastic Syndromes, Hereditary; Tumor predisposition; Hereditary neoplastic syndrome; Hereditary Cancer Syndrome. Identifiers: Orphanet 140162, MedGen C0027672, MeSH D009386, MONDO:0015356.
POLD1-related polyposis and colorectal cancer syndrome (CRCS10). Also called: Colorectal cancer, susceptibility to, 10; COLORECTAL CANCER, SUSCEPTIBILITY TO, ON CHROMOSOME 19q; Colorectal cancer 10. Identifiers: Orphanet 220460, MedGen C2675481, MONDO:0012953, OMIM 612591.

Allele frequency attached by ClinVar (database versions not stated): TOPMed below 0.00001.
gnomAD v4.1: 1 of 1,540,282 alleles (0.000065%); highest among the groups gnomAD compares: African/African-American, 0.0014%; no homozygotes.

Submissions (3):

Labcorp Genetics (formerly Invitae), Labcorp
Classification: Likely benign for POLD1-related polyposis and colorectal cancer syndrome. Last evaluated: 2026-01-13. Review status: criteria provided, single submitter. Criteria: Invitae Variant Classification Sherloc (09022015). Collection method: clinical testing. Allele origin: germline.

Ambry Genetics
Classification: Likely benign for Hereditary cancer-predisposing syndrome. Last evaluated: 2025-05-07. Review status: criteria provided, single submitter. Criteria: Ambry Variant Classification Scheme 2023. Collection method: clinical testing. Allele origin: germline.

CeGaT Center for Human Genetics Tuebingen
Classification: Likely benign. Last evaluated: 2022-10-01. Review status: criteria provided, single submitter. Criteria: CeGaT Center For Human Genetics Tuebingen Variant Classification Criteria Version 2. Collection method: clinical testing. Allele origin: germline. Affected: yes. Observed: 1 variant allele.
Comment: POLD1: PM2:Supporting, BP4, BP7